The following is an entry in ClinVar:

NM_153704.6(TMEM67):c.2556+5G>C

Gene: TMEM67 (transmembrane protein 67; plus strand). Cytogenetic location: 8q22.1.
Variant type: single nucleotide variant.
Coding change: c.2556+5G>C on transcript NM_153704.6 (MANE Select); 5 bases into the intron after coding-DNA position 2556, G replaced by C.
Molecular consequence: intron variant.
Genome position (GRCh38, 1-based): chr8:93,808,961, G>C. VCF-style: chr8-93808961-G-C. GRCh37 (hg19) VCF-style: chr8-94821189-G-C.
Other names: NC_000008.10:g.94821189G>C; c.2313+5G>C (NM_001142301.1).
Identifiers: ClinVar variation 363925 (VCV000363925.7), dbSNP rs886063172, ClinGen allele CA10631759.
Genomic context (GRCh38, chr8:93,808,961, plus strand): 5'-CAATTTCTAACCAGATGAGACAACATTATGACAGAATTCATGAGACACTAATAAGGGTTT[G>C]TATAAAGTACAGTTCAGATATATTCTGTCAATATTTCATGTTTTTTAGATACCAAGAACA-3'

ClinVar aggregate classification (germline): Uncertain significance. Review status: criteria provided, multiple submitters, no conflicts (2 of 4 stars). 4 submissions from 2 submitters: Uncertain significance (4). Last evaluated 2025-01-15.

Conditions:
TMEM67-related disorder. Also called: TMEM67-related condition; TMEM67-related disorders. Identifiers: MedGen CN239423.
Joubert syndrome 6 (JBTS6). Identifiers: Orphanet 475, MedGen C1853153, MONDO:0012539, OMIM 610688.
Nephronophthisis 11 (NPHP11). Identifiers: Orphanet 84081, MedGen C3150796, MONDO:0013302, OMIM 613550.
Meckel syndrome, type 3 (MKS3). Also called: MECKEL-GRUBER SYNDROME, TYPE 3. Identifiers: Orphanet 564, MedGen C1846357, MONDO:0011821, OMIM 607361.

Allele frequency attached by ClinVar (database versions not stated): TOPMed below 0.00001.
gnomAD v4.1: 24 of 1,565,158 alleles (0.0015%); highest among the groups gnomAD compares: Non-Finnish European, 0.0021%; no homozygotes.

Submissions (5):

PreventionGenetics, part of Exact Sciences
Classification: Uncertain significance for TMEM67-related condition. Last evaluated: 2025-01-15. Review status: criteria provided, single submitter. Criteria: ACMG Guidelines, 2015. Collection method: clinical testing. Allele origin: germline.
Comment: The TMEM67 c.2556+5G>C variant is predicted to interfere with splicing. This variant is predicted to weaken the canonical splice donor site (SpliceAI, Jaganathan et al. 2019. PubMed ID: 30661751). To our knowledge, this variant has not been reported in the literature or in a large population database (gnomAD), indicating this variant is rare. At this time, the clinical significance of this variant is uncertain due to the absence of conclusive functional and genetic evidence.

Illumina Laboratory Services, Illumina
Classification: Uncertain significance for Nephronophthisis 11. Last evaluated: 2018-01-13. Review status: criteria provided, single submitter. Criteria: ICSL Variant Classification Criteria 13 December 2019. Collection method: clinical testing. Allele origin: germline.

Illumina Laboratory Services, Illumina
Classification: Uncertain significance for Joubert syndrome 6. Last evaluated: 2018-01-13. Review status: criteria provided, single submitter. Criteria: ICSL Variant Classification Criteria 13 December 2019. Collection method: clinical testing. Allele origin: germline.

Illumina Laboratory Services, Illumina
Classification: Uncertain significance for Meckel syndrome, type 3. Last evaluated: 2018-01-13. Review status: criteria provided, single submitter. Criteria: ICSL Variant Classification Criteria 13 December 2019. Collection method: clinical testing. Allele origin: germline.

Dr. Peter K. Rogan Lab, Western University
No classification provided (evidence only). Condition: Sarcoma. Review status: no classification provided. Collection method: in vitro. Allele origin: not applicable. Functional consequence: skipped exon. Not counted in ClinVar's aggregate classification.